The following is an entry in ClinVar:

ClinVar aggregate classification (germline): Uncertain significance. Review status: criteria provided, single submitter (1 of 4 stars). 2 submissions from 2 submitters: Uncertain significance (1). 1 of the submissions does not count toward it. Last evaluated 2024-01-20.

Conditions:
COL6A3-related disorder. Also called: COL6A3-related condition; COL6A3-related disorders.
Bethlem myopathy 1A. Also called: Bethlem myopathy 1; Bethlem Muscular Dystrophy; MYOPATHY, BENIGN CONGENITAL, WITH CONTRACTURES. Identifiers: Orphanet 610, MedGen CN029274, MONDO:0024530, OMIM 158810.

gnomAD v4.1: 5 of 1,614,156 alleles (0.00031%); highest among the groups gnomAD compares: Non-Finnish European, 0.00042%; no homozygotes.

Submissions (2):

Labcorp Genetics (formerly Invitae), Labcorp
Classification: Uncertain significance for Bethlem myopathy 1A. Last evaluated: 2024-01-20. Review status: criteria provided, single submitter. Criteria: Invitae Variant Classification Sherloc (09022015). Collection method: clinical testing. Allele origin: germline.
Comment: This sequence change replaces arginine, which is basic and polar, with serine, which is neutral and polar, at codon 1535 of the COL6A3 protein (p.Arg1535Ser). This variant is present in population databases (rs752225290, gnomAD 0.003%). This variant has not been reported in the literature in individuals affected with COL6A3-related conditions. Advanced modeling of protein sequence and biophysical properties (such as structural, functional, and spatial information, amino acid conservation, physicochemical variation, residue mobility, and thermodynamic stability) performed at Invitae indicates that this missense variant is expected to disrupt COL6A3 protein function with a positive predictive value of 80%. In summary, the available evidence is currently insufficient to determine the role of this variant in disease. Therefore, it has been classified as a Variant of Uncertain Significance.

PreventionGenetics, part of Exact Sciences
Classification: Uncertain significance for COL6A3-related condition. Last evaluated: 2024-07-25. Review status: no assertion criteria provided. Collection method: clinical testing. Allele origin: germline. Not counted in ClinVar's aggregate classification.
Comment: The COL6A3 c.4603C>A variant is predicted to result in the amino acid substitution p.Arg1535Ser. To our knowledge, this variant has not been reported in the literature. This variant is reported in 0.0026% of alleles in individuals of European (Non-Finnish) descent in gnomAD. At this time, the clinical significance of this variant is uncertain due to the absence of conclusive functional and genetic evidence.

NM_004369.4(COL6A3):c.4603C>A (p.Arg1535Ser)

Gene: COL6A3 (collagen type VI alpha 3 chain; minus strand). Cytogenetic location: 2q37.3.
Variant type: single nucleotide variant.
Coding change: c.4603C>A on transcript NM_004369.4 (MANE Select); coding-DNA position 4603, C replaced by A.
Protein change: p.Arg1535Ser; replaces arginine 1535 with serine.
Molecular consequence: missense variant.
Genome position (GRCh38, 1-based): chr2:237,368,860, G>T on the plus strand (C>A on the coding strand, the complement: COL6A3 is on the minus strand). VCF-style: chr2-237368860-G-T. GRCh37 (hg19) VCF-style: chr2-238277503-G-T.
Other names: c.2782C>A, p.Arg928Ser (NM_057166.5); c.3985C>A, p.Arg1329Ser (NM_057167.4); short protein forms R1535S, R1329S, R928S.
Identifiers: ClinVar variation 2730948 (VCV002730948.4), dbSNP rs752225290, ClinGen allele CA2188855.
Genomic context (GRCh38, chr2:237,368,860, plus strand): 5'-CGTCCTGGGATTTTCCACCCAGGACCAGGACCAGGTGTTGGGGCACCCCGTCTTCTATGC[G>T]ACTCCCCGCAGACTTAACAAAGAGGTTTCTTGCCACAAATTCGAGAGCCTTGCCAGTGTT-3'
Protein context (NP_004360.2, residues 1525-1545): RNLFVKSAGS[Arg1535Ser]IEDGVPQHLV